The following is an entry in ClinVar:

ClinVar aggregate classification (germline): Likely benign (0 of 4 stars; one submission).

Conditions:
RPL13-related disorder. Also called: RPL13-related condition.

Allele frequency attached by ClinVar (database versions not stated): gnomAD exomes below 0.00001; ExAC 0.00001; gnomAD 0.00003; TOPMed 0.00003.

Submission:

PreventionGenetics, part of Exact Sciences
Classification: Likely benign for RPL13-related condition. Last evaluated: 2023-12-15. Review status: no assertion criteria provided. Collection method: clinical testing. Allele origin: germline.
Comment: This variant is classified as likely benign based on ACMG/AMP sequence variant interpretation guidelines (Richards et al. 2015 PMID: 25741868, with internal and published modifications).

NM_000977.4(RPL13):c.-7G>A

Genes: RPL13 (ribosomal protein L13; plus strand), LOC130059823 (ATAC-STARR-seq lymphoblastoid silent region 7913; plus strand). Cytogenetic location: 16q24.3.
Variant type: single nucleotide variant.
Coding change: c.-7G>A on transcript NM_000977.4 (MANE Select); 7 bases upstream of the start codon, G replaced by A.
Molecular consequence: 5 prime UTR variant.
Genome position (GRCh38, 1-based): chr16:89,560,953, G>A. VCF-style: chr16-89560953-G-A. GRCh37 (hg19) VCF-style: chr16-89627361-G-A.
Other names: c.-7G>A (NM_001243131.1, NM_033251.2).
Identifiers: ClinVar variation 3056569 (VCV003056569.2), dbSNP rs751199568, ClinGen allele CA8244697.